The following is an entry in ClinVar:

ClinVar aggregate classification (germline): Uncertain significance (1 of 4 stars; one submission).

Conditions:
Nemaline myopathy 10 (NEM10). Identifiers: MedGen C4015360, MONDO:0014513, OMIM 616165.

Allele frequency attached by ClinVar (database versions not stated): gnomAD exomes 0.00001.
gnomAD v4.1: 5 of 1,613,712 alleles (0.00031%); highest among the groups gnomAD compares: African/African-American, 0.0067%; no homozygotes.

Submission:

Labcorp Genetics (formerly Invitae), Labcorp
Classification: Uncertain significance for Nemaline myopathy 10. Last evaluated: 2022-03-22. Review status: criteria provided, single submitter. Criteria: Invitae Variant Classification Sherloc (09022015). Collection method: clinical testing. Allele origin: germline.
Comment: This sequence change replaces methionine, which is neutral and non-polar, with threonine, which is neutral and polar, at codon 419 of the LMOD3 protein (p.Met419Thr). This variant is not present in population databases (gnomAD no frequency). This variant has not been reported in the literature in individuals affected with LMOD3-related conditions. Algorithms developed to predict the effect of missense changes on protein structure and function are either unavailable or do not agree on the potential impact of this missense change (SIFT: "Deleterious"; PolyPhen-2: "Probably Damaging"; Align-GVGD: "Class C0"). In summary, the available evidence is currently insufficient to determine the role of this variant in disease. Therefore, it has been classified as a Variant of Uncertain Significance.

NM_198271.5(LMOD3):c.1256T>C (p.Met419Thr)

Gene: LMOD3 (leiomodin 3; minus strand). Cytogenetic location: 3p14.1.
Variant type: single nucleotide variant.
Coding change: c.1256T>C on transcript NM_198271.5 (MANE Select); coding-DNA position 1256, T replaced by C.
Protein change: p.Met419Thr; replaces methionine 419 with threonine.
Molecular consequence: missense variant.
Genome position (GRCh38, 1-based): chr3:69,119,099, A>G on the plus strand (T>C on the coding strand, the complement: LMOD3 is on the minus strand). VCF-style: chr3-69119099-A-G. GRCh37 (hg19) VCF-style: chr3-69168250-A-G.
Other names: c.1256T>C, p.Met419Thr (NM_001304418.3); short protein forms M419T.
Identifiers: ClinVar variation 1366029 (VCV001366029.5), dbSNP rs2092392431, ClinGen allele CA353471905.